The following is an entry in ClinVar:

NM_001031725.6(DDX59):c.1149T>C (p.Val383=)

Gene: DDX59 (DEAD-box helicase 59; minus strand). Cytogenetic location: 1q32.1.
Variant type: single nucleotide variant.
Coding change: c.1149T>C on transcript NM_001031725.6 (MANE Select); coding-DNA position 1149, T replaced by C.
Protein change: p.Val383=; no amino-acid change (valine 383 retained).
Molecular consequence: synonymous variant. On other transcripts: intron variant (3).
Genome position (GRCh38, 1-based): chr1:200,650,590, A>G on the plus strand (T>C on the coding strand, the complement: DDX59 is on the minus strand). VCF-style: chr1-200650590-A-G. GRCh37 (hg19) VCF-style: chr1-200619718-A-G.
Other names: c.1149T>C, p.Val383= (NM_001320181.2, NM_001349799.3, NM_001349800.3 and 2 more transcripts); c.1063-6073T>C (NM_001349804.2); c.1063-1364T>C (NM_001349803.3); c.973-1364T>C (NM_001320182.1).
Identifiers: ClinVar variation 2074751 (VCV002074751.4), dbSNP rs950639462, ClinGen allele CA35959467.

ClinVar aggregate classification (germline): Uncertain significance (1 of 4 stars; one submission).

Allele frequency attached by ClinVar (database versions not stated): TOPMed below 0.00001; gnomAD exomes 0.00001.
gnomAD v4.1: 3 of 1,614,060 alleles (0.00019%); highest among the groups gnomAD compares: Admixed American, 0.005%; no homozygotes.

Submission:

Labcorp Genetics (formerly Invitae), Labcorp
Classification: Uncertain significance. Last evaluated: 2022-07-29. Review status: criteria provided, single submitter. Criteria: Invitae Variant Classification Sherloc (09022015). Collection method: clinical testing. Allele origin: germline.
Comment: This sequence change affects codon 383 of the DDX59 mRNA. It is a 'silent' change, meaning that it does not change the encoded amino acid sequence of the DDX59 protein. This variant is present in population databases (no rsID available, gnomAD 0.009%). This variant has not been reported in the literature in individuals affected with DDX59-related conditions. Algorithms developed to predict the effect of sequence changes on RNA splicing suggest that this variant may disrupt the consensus splice site. In summary, the available evidence is currently insufficient to determine the role of this variant in disease. Therefore, it has been classified as a Variant of Uncertain Significance.